The following is an entry in ClinVar:

ClinVar aggregate classification (germline): Uncertain significance (1 of 4 stars; one submission).

Submission:

Labcorp Genetics (formerly Invitae), Labcorp
Classification: Uncertain significance. Last evaluated: 2022-02-11. Review status: criteria provided, single submitter. Criteria: Invitae Variant Classification Sherloc (09022015). Collection method: clinical testing. Allele origin: germline.
Comment: In summary, the available evidence is currently insufficient to determine the role of this variant in disease. Therefore, it has been classified as a Variant of Uncertain Significance. Variants that disrupt the consensus splice site are a relatively common cause of aberrant splicing (PMID: 17576681, 9536098). Algorithms developed to predict the effect of sequence changes on RNA splicing suggest that this variant is not likely to affect RNA splicing. This variant has not been reported in the literature in individuals affected with LIG1-related conditions. This variant is not present in population databases (gnomAD no frequency). This sequence change falls in intron 24 of the LIG1 gene. It does not directly change the encoded amino acid sequence of the LIG1 protein. It affects a nucleotide within the consensus splice site.

Literature cited by the submitters: PubMed 17576681; PubMed 9536098.

NM_000234.3(LIG1):c.2385+5T>C

Gene: LIG1 (DNA ligase 1; minus strand). Cytogenetic location: 19q13.33.
Variant type: single nucleotide variant.
Coding change: c.2385+5T>C on transcript NM_000234.3 (MANE Select); 5 bases into the intron after coding-DNA position 2385, T replaced by C.
Molecular consequence: intron variant. On other transcripts: non-coding transcript variant (5).
Genome position (GRCh38, 1-based): chr19:48,121,165, A>G on the plus strand (T>C on the coding strand, the complement: LIG1 is on the minus strand). VCF-style: chr19-48121165-A-G. GRCh37 (hg19) VCF-style: chr19-48624422-A-G.
Other names: c.2292+5T>C (NM_001289063.2); c.2295+5T>C (NM_001320971.2); c.2181+5T>C (NM_001289064.2); c.2382+5T>C (NM_001320970.2).
Identifiers: ClinVar variation 1930325 (VCV001930325.5), dbSNP rs2513999231, ClinGen allele CA406642212.